The following is an entry in ClinVar:

ClinVar aggregate classification (germline): Pathogenic. Review status: reviewed by expert panel (3 of 4 stars). 6 submissions from 6 submitters: Pathogenic (1). 5 of the submissions do not count toward it. Last evaluated 2016-09-08.

Conditions:
Hereditary cancer-predisposing syndrome. Also called: Tumor predisposition; Hereditary Cancer Syndrome; Neoplastic Syndromes, Hereditary; Hereditary neoplastic syndrome. Identifiers: Orphanet 140162, MedGen C0027672, MeSH D009386, MONDO:0015356.
Hereditary breast ovarian cancer syndrome. Also called: Hereditary breast and/or ovarian cancer syndrome; BRCA1- and BRCA2-Associated Hereditary Breast and Ovarian Cancer; Hereditary breast and ovarian cancer; Hereditary breast and ovarian cancer syndrome (HBOC); Breast and ovarian cancer; Hereditary breast and ovarian cancer syndrome. Identifiers: Orphanet 145, MedGen C0677776, MeSH D061325, MONDO:0003582. Disease mechanism: loss of function.
Breast-ovarian cancer, familial, susceptibility to, 2 (BROVCA2). Also called: BRCA2 Hereditary Breast and Ovarian Cancer. Identifiers: Orphanet 145, MedGen C2675520, MONDO:0012933, OMIM 612555. Disease mechanism: loss of function.
Familial cancer of breast. Also called: Hereditary breast cancer; BREAST CANCER, FAMILIAL; hereditary breast carcinoma. Identifiers: Orphanet 227535, MedGen C0346153, MONDO:0016419, OMIM 114480. Disease mechanism: loss of function.

Submissions (6):

Evidence-based Network for the Interpretation of Germline Mutant Alleles (ENIGMA)
Classification: Pathogenic for Breast-ovarian cancer, familial, susceptibility to, 2. Last evaluated: 2016-09-08. Review status: reviewed by expert panel. Criteria: ENIGMA BRCA1/2 Classification Criteria (2015). Collection method: curation. Allele origin: germline.
Comment: Variant allele predicted to encode a truncated non-functional protein.

Labcorp Genetics (formerly Invitae), Labcorp
Classification: Pathogenic for Hereditary breast ovarian cancer syndrome. Last evaluated: 2025-06-03. Review status: criteria provided, single submitter. Criteria: Invitae Variant Classification Sherloc (09022015). Collection method: clinical testing. Allele origin: germline. Not counted in ClinVar's aggregate classification.
Comment: This sequence change creates a premature translational stop signal (p.Pro2649Glnfs*8) in the BRCA2 gene. It is expected to result in an absent or disrupted protein product. Loss-of-function variants in BRCA2 are known to be pathogenic (PMID: 20104584). This variant is not present in population databases (gnomAD no frequency). This premature translational stop signal has been observed in individual(s) with ovarian cancer (PMID: 30322717). ClinVar contains an entry for this variant (Variation ID: 216857). For these reasons, this variant has been classified as Pathogenic.

Baylor Genetics
Classification: Pathogenic for Familial cancer of breast. Last evaluated: 2024-03-12. Review status: criteria provided, single submitter. Criteria: ACMG Guidelines, 2015. Collection method: clinical testing. Allele origin: unknown. Not counted in ClinVar's aggregate classification.

Ambry Genetics
Classification: Pathogenic for Hereditary cancer-predisposing syndrome. Last evaluated: 2020-08-07. Review status: criteria provided, single submitter. Criteria: Ambry Variant Classification Scheme 2023. Collection method: clinical testing. Allele origin: germline. Not counted in ClinVar's aggregate classification.
Comment: The c.7946delC pathogenic mutation, located in coding exon 16 of the BRCA2 gene, results from a deletion of one nucleotide at nucleotide position 7946, causing a translational frameshift with a predicted alternate stop codon (p.P2649Qfs*8). This alteration is expected to result in loss of function by premature protein truncation or nonsense-mediated mRNA decay. As such, this alteration is interpreted as a disease-causing mutation.

GeneDx
Classification: Pathogenic. Last evaluated: 2016-10-05. Review status: criteria provided, single submitter. Criteria: GeneDx Variant Classification (06012015). Collection method: clinical testing. Allele origin: germline. Affected: yes. Not counted in ClinVar's aggregate classification.
Comment: This deletion of one nucleotide in BRCA2 is denoted c.7946delC at the cDNA level and p.Pro2649GlnfsX8 (P2649QfsX8) at the protein level. The normal sequence, with the base that is deleted in braces, is AGCC[C]AGAA. The deletion causes a frameshift, which changes a Proline to a Glutamine at codon 2649, and creates a premature stop codon at position 8 of the new reading frame. Although this variant, also defined as BRCA2 8174delC using alternate nomenclature, has not, to our knowledge, been reported in the literature, it is predicted to cause loss of normal protein function through either protein truncation or nonsense-mediated mRNA decay. We consider this variant to be pathogenic.

Counsyl
Classification: Likely pathogenic for Breast-ovarian cancer, familial, susceptibility to, 2. Last evaluated: 2016-05-05. Review status: no assertion criteria provided. Collection method: clinical testing. Allele origin: unknown. Not counted in ClinVar's aggregate classification.

Literature cited by the submitters: PubMed 20104584 (cited by Labcorp Genetics (formerly Invitae), Labcorp); PubMed 30322717 (cited by Labcorp Genetics (formerly Invitae), Labcorp).

NM_000059.4(BRCA2):c.7946del (p.Pro2649fs)

Gene: BRCA2 (BRCA2 DNA repair associated; plus strand). Cytogenetic location: 13q13.1.
Variant type: Deletion.
Coding change: c.7946del on transcript NM_000059.4 (MANE Select); coding-DNA position 7946, one base deleted (C; older notation c.7946delC).
Protein change: p.Pro2649fs; shifts the reading frame from proline 2649.
Molecular consequence: frameshift variant.
Genome position (GRCh38, 1-based): chr13:32,362,663, C deleted; the last of 3 consecutive C bases (chr13:32,362,661-32,362,663); deleting any one gives the same sequence. VCF-style (leftmost placement, unchanged base first): chr13-32362660-GC-G. GRCh37 (hg19) VCF-style: chr13-32936797-GC-G.
Other names: c.7946delC (NM_000059.3); short protein forms P2649fs.
Identifiers: ClinVar variation 216857 (VCV000216857.16), dbSNP rs863224828, ClinGen allele CA336502.